The following is an entry in ClinVar:

ClinVar aggregate classification (germline): Pathogenic. Review status: criteria provided, multiple submitters, no conflicts (2 of 4 stars). 2 submissions from 2 submitters: Pathogenic (2). Last evaluated 2025-09-22.

Conditions:
Hereditary cancer-predisposing syndrome. Also called: Hereditary Cancer Syndrome; Hereditary neoplastic syndrome; Tumor predisposition; Neoplastic Syndromes, Hereditary. Identifiers: Orphanet 140162, MedGen C0027672, MeSH D009386, MONDO:0015356.
Familial cancer of breast. Also called: BREAST CANCER, FAMILIAL; hereditary breast carcinoma; Hereditary breast cancer. Identifiers: Orphanet 227535, MedGen C0346153, MONDO:0016419, OMIM 114480. Disease mechanism: loss of function.

Submissions (2):

Labcorp Genetics (formerly Invitae), Labcorp
Classification: Pathogenic for Familial cancer of breast. Last evaluated: 2025-09-22. Review status: criteria provided, single submitter. Criteria: Invitae Variant Classification Sherloc (09022015). Collection method: clinical testing. Allele origin: germline.
Comment: This sequence change creates a premature translational stop signal (p.Tyr139*) in the CHEK2 gene. It is expected to result in an absent or disrupted protein product. Loss-of-function variants in CHEK2 are known to be pathogenic (PMID: 21876083, 24713400). This variant is not present in population databases (gnomAD no frequency). This variant has not been reported in the literature in individuals affected with CHEK2-related conditions. ClinVar contains an entry for this variant (Variation ID: 2881113). For these reasons, this variant has been classified as Pathogenic.

Ambry Genetics
Classification: Pathogenic for Hereditary cancer-predisposing syndrome. Last evaluated: 2024-06-24. Review status: criteria provided, single submitter. Criteria: Ambry Variant Classification Scheme 2023. Collection method: clinical testing. Allele origin: germline.
Comment: The c.417delC pathogenic mutation, located in coding exon 2 of the CHEK2 gene, results from a deletion of one nucleotide at nucleotide position 417, causing a translational frameshift with a predicted alternate stop codon (p.Y139*). This variant is considered to be rare based on population cohorts in the Genome Aggregation Database (gnomAD). This alteration is expected to result in loss of function by premature protein truncation or nonsense-mediated mRNA decay. As such, this alteration is interpreted as a disease-causing mutation.

Literature cited by the submitters: PubMed 21876083 (cited by Labcorp Genetics (formerly Invitae), Labcorp); PubMed 24713400 (cited by Labcorp Genetics (formerly Invitae), Labcorp).

NM_007194.4(CHEK2):c.417del (p.Thr138_Tyr139insTer)

Gene: CHEK2 (checkpoint kinase 2; minus strand). Cytogenetic location: 22q12.1.
Variant type: Deletion.
Coding change: c.417del on transcript NM_007194.4 (MANE Select); coding-DNA position 417, one base deleted (C; older notation c.417delC).
Protein change: p.Thr138_Tyr139insTer.
Molecular consequence: nonsense. On other transcripts: frameshift variant (3).
Genome position (GRCh38, 1-based): chr22:28,725,270, G deleted on the plus strand (C on the coding strand, the reverse complement: CHEK2 is on the minus strand). VCF-style (leftmost placement, unchanged base first): chr22-28725269-TG-T. GRCh37 (hg19) VCF-style: chr22-29121257-TG-T.
Other names: c.546delC, p.Tyr182Terfs (NM_001005735.3); c.-361delC (NM_001257387.3); c.417delC, p.Tyr139Terfs (NM_001349956.3, NM_145862.3).
Identifiers: ClinVar variation 2881113 (VCV002881113.4), dbSNP rs2518058743, ClinGen allele CA2499306925.